The following is an entry in ClinVar:

ClinVar aggregate classification (germline): Pathogenic (1 of 4 stars; one submission).

Submission:

GeneDx
Classification: Pathogenic. Last evaluated: 2017-08-17. Review status: criteria provided, single submitter. Criteria: GeneDx Variant Classification (06012015). Collection method: clinical testing. Allele origin: germline. Affected: yes.
Comment: The c.210dupA variant in the CYBB gene has been reported previously in association with X-linked chronic granulomatous disease (Roos et al., 2010). The duplication causes a frameshift starting with codon Valine 71, changes this amino acid to a Serine residue and creates a premature Stop codon at position 32 of the new reading frame, denoted p.Val71SerfsX32. This variant is predicted to cause loss of normal protein function either through protein truncation or nonsense-mediated mRNA decay. The variant is not observed in large population cohorts (Lek et al., 2016; 1000 Genomes Consortium et al., 2015; Exome Variant Server). In summary, we consider this variant to be pathogenic.

NM_000397.4(CYBB):c.210dup (p.Val71fs)

Gene: CYBB (cytochrome b-245 beta chain; plus strand). Cytogenetic location: Xp21.1.
Variant type: Duplication.
Coding change: c.210dup on transcript NM_000397.4 (MANE Select); coding-DNA position 210, one base duplicated (A; older notation c.210dupA).
Protein change: p.Val71fs; shifts the reading frame from valine 71.
Molecular consequence: frameshift variant.
Genome position (GRCh38, 1-based): chrX:37,783,558, A duplicated. VCF-style (leftmost placement, unchanged base first): chrX-37783557-C-CA. GRCh37 (hg19) VCF-style: chrX-37642810-C-CA.
Other names: c.210dupA (NM_000397.3); short protein forms V71fs.
Identifiers: ClinVar variation 449009 (VCV000449009.2), dbSNP rs1556464882, ClinGen allele CA658658976.